The following is an entry in ClinVar:

ClinVar aggregate classification (germline): Pathogenic/Likely pathogenic. Review status: criteria provided, multiple submitters, no conflicts (2 of 4 stars). 2 submissions from 2 submitters: Pathogenic (1); Likely pathogenic (1). Last evaluated 2022-04-03.

Conditions:
Ehlers-Danlos syndrome, type 4 (EDSVASC). Also called: Ehlers-Danlos syndrome vascular type; Ehlers Danlos syndrome, ecchymotic type; Ehlers Danlos syndrome, arterial type; Ehlers Danlos syndrome, Sack-Barabas type; Ehlers-Danlos Syndrome Type IV. Identifiers: Orphanet 286, MedGen C0268338, MONDO:0017314, OMIM 130050.
Familial thoracic aortic aneurysm and aortic dissection (TAAD). Also called: Thoracic aortic aneurysms and dissections. Identifiers: Orphanet 91387, MedGen C4707243, MONDO:0019625.

Submissions (2):

Labcorp Genetics (formerly Invitae), Labcorp
Classification: Likely pathogenic for Ehlers-Danlos syndrome, type 4. Last evaluated: 2022-04-03. Review status: criteria provided, single submitter. Criteria: Invitae Variant Classification Sherloc (09022015). Collection method: clinical testing. Allele origin: germline.
Comment: This variant disrupts the triple helix domain of COL3A1. Glycine residues within the Gly-Xaa-Yaa repeats of the triple helix domain are required for the structure and stability of fibrillar collagens (PMID: 7695699, 8218237, 19344236). In COL3A1, variants that affect these glycine residues are significantly enriched in individuals with disease (PMID: 24922459, 25758994) compared to the general population (ExAC). This sequence change replaces glycine, which is neutral and non-polar, with arginine, which is basic and polar, at codon 996 of the COL3A1 protein (p.Gly996Arg). This variant is not present in population databases (gnomAD no frequency). This missense change has been observed in individual(s) with COL3A1-related conditions (PMID: 22019127; Invitae). Advanced modeling of protein sequence and biophysical properties (such as structural, functional, and spatial information, amino acid conservation, physicochemical variation, residue mobility, and thermodynamic stability) performed at Invitae indicates that this missense variant is expected to disrupt COL3A1 protein function. Algorithms developed to predict the effect of sequence changes on RNA splicing suggest that this variant may create or strengthen a splice site. In summary, the currently available evidence indicates that the variant is pathogenic, but additional data are needed to prove that conclusively. Therefore, this variant has been classified as Likely Pathogenic.

Ambry Genetics
Classification: Pathogenic for Familial thoracic aortic aneurysm and aortic dissection. Last evaluated: 2018-07-19. Review status: criteria provided, single submitter. Criteria: Ambry Variant Classification Scheme 2023. Collection method: clinical testing. Allele origin: germline.
Comment: The p.G996R pathogenic mutation (also known as c.2986G>A), located in coding exon 41 of the COL3A1 gene, results from a G to A substitution at nucleotide position 2986. The glycine at codon 996 is replaced by arginine, an amino acid with dissimilar properties. The majority (approximately two-thirds) of COL3A1 mutations identified to date have involved the substitution of another amino acid for glycine within the triple-helical domain (Pepin MG et al. Genet Med. 2014;16(12):881-8; Frank M et al. Eur J Hum Genet. 2015;23(12):1657-64). This particular glycine substitution was reported as occurring de novo in an individual from a vascular Ehlers-Danlos syndrome (EDS) cohort, and studies of patient fibroblasts showed reduced collagen type III secretion (Drera B et al. J. Dermatol. Sci. 2011;64:237-40). Another alteration affecting this amino acid (p.G996E) has also been reported in association with vascular EDS (Jansen T et al. Br J Dermatol. 2001;144:1086-7 (reported as G829E)). Furthermore, internal structural analysis indicates that this alteration disrupts the characteristic G-X-Y motif in the COL3A1 protein and inserts a bulky side chain into a sterically-constrained region (Bella J et al. Science. 1994;266:75-81; Hohenester E et al. Proc. Natl. Acad. Sci. U.S.A. 2008;105:18273-7; Ambry internal data). Based on the supporting evidence, this alteration is interpreted as a disease-causing mutation.

Literature cited by the submitters: PubMed 7695699 (cited by Labcorp Genetics (formerly Invitae), Labcorp); PubMed 8218237 (cited by Labcorp Genetics (formerly Invitae), Labcorp); PubMed 19344236 (cited by Labcorp Genetics (formerly Invitae), Labcorp); PubMed 24922459 (cited by Labcorp Genetics (formerly Invitae), Labcorp); PubMed 25758994 (cited by Labcorp Genetics (formerly Invitae), Labcorp); PubMed 22019127 (cited by Labcorp Genetics (formerly Invitae), Labcorp and Ambry Genetics); PubMed 10706896 (cited by Ambry Genetics); PubMed 11359405 (cited by Ambry Genetics).

NM_000090.4(COL3A1):c.2986G>A (p.Gly996Arg)

Gene: COL3A1 (collagen type III alpha 1 chain; plus strand). Cytogenetic location: 2q32.2.
Variant type: single nucleotide variant.
Coding change: c.2986G>A on transcript NM_000090.4 (MANE Select); coding-DNA position 2986, G replaced by A.
Protein change: p.Gly996Arg; replaces glycine 996 with arginine.
Molecular consequence: missense variant.
Genome position (GRCh38, 1-based): chr2:189,005,404, G>A. VCF-style: chr2-189005404-G-A. GRCh37 (hg19) VCF-style: chr2-189870130-G-A.
Other names: short protein forms G996R.
Identifiers: ClinVar variation 1486385 (VCV001486385.10), dbSNP rs2153503634, ClinGen allele CA349844778.